The following is an entry in ClinVar:

ClinVar aggregate classification (germline): Uncertain significance (1 of 4 stars; one submission).

Conditions:
Ectodermal dysplasia and immunodeficiency 2. Identifiers: Orphanet 238468, Orphanet 98813, MedGen C2677481, MONDO:0012806, OMIM 612132.

Submission:

Labcorp Genetics (formerly Invitae), Labcorp
Classification: Uncertain significance for Ectodermal dysplasia and immunodeficiency 2. Last evaluated: 2025-06-17. Review status: criteria provided, single submitter. Criteria: Invitae Variant Classification Sherloc (09022015). Collection method: clinical testing. Allele origin: germline.
Comment: This sequence change replaces leucine, which is neutral and non-polar, with valine, which is neutral and non-polar, at codon 26 of the NFKBIA protein (p.Leu26Val). This variant is present in population databases (no rsID available, gnomAD 0.001%). This variant has not been reported in the literature in individuals affected with NFKBIA-related conditions. An algorithm developed to predict the effect of missense changes on protein structure and function outputs the following: PolyPhen-2: "Benign". The valine amino acid residue is found in multiple mammalian species, which suggests that this missense change does not adversely affect protein function. In summary, the available evidence is currently insufficient to determine the role of this variant in disease. Therefore, it has been classified as a Variant of Uncertain Significance.

NM_020529.3(NFKBIA):c.76C>G (p.Leu26Val)

Gene: NFKBIA (NFKB inhibitor alpha; minus strand). Cytogenetic location: 14q13.2.
Variant type: single nucleotide variant.
Coding change: c.76C>G on transcript NM_020529.3 (MANE Select); coding-DNA position 76, C replaced by G.
Protein change: p.Leu26Val; replaces leucine 26 with valine.
Molecular consequence: missense variant.
Genome position (GRCh38, 1-based): chr14:35,404,569, G>C on the plus strand (C>G on the coding strand, the complement: NFKBIA is on the minus strand). VCF-style: chr14-35404569-G-C. GRCh37 (hg19) VCF-style: chr14-35873775-G-C.
Other names: short protein forms L26V.
Identifiers: ClinVar variation 4707438 (VCV004707438.1).